The following is an entry in ClinVar:

ClinVar aggregate classification (germline): Uncertain significance. Review status: criteria provided, multiple submitters, no conflicts (2 of 4 stars). 2 submissions from 2 submitters: Uncertain significance (2). Last evaluated 2024-04-29.

Allele frequency attached by ClinVar (database versions not stated): TOPMed below 0.00001.

Submissions (2):

GeneDx
Classification: Uncertain significance. Last evaluated: 2024-04-29. Review status: criteria provided, single submitter. Criteria: GeneDx Variant Classification Process June 2021. Collection method: clinical testing. Allele origin: germline. Affected: yes.
Comment: Not observed at significant frequency in large population cohorts (gnomAD); In silico analysis supports that this missense variant has a deleterious effect on protein structure/function; Has not been previously published as pathogenic or benign to our knowledge

Labcorp Genetics (formerly Invitae), Labcorp
Classification: Uncertain significance. Last evaluated: 2022-06-29. Review status: criteria provided, single submitter. Criteria: Invitae Variant Classification Sherloc (09022015). Collection method: clinical testing. Allele origin: germline.
Comment: In summary, the available evidence is currently insufficient to determine the role of this variant in disease. Therefore, it has been classified as a Variant of Uncertain Significance. Algorithms developed to predict the effect of missense changes on protein structure and function are either unavailable or do not agree on the potential impact of this missense change (SIFT: "Tolerated"; PolyPhen-2: "Possibly Damaging"; Align-GVGD: "Class C15"). This variant has not been reported in the literature in individuals affected with FOXP1-related conditions. This variant is not present in population databases (gnomAD no frequency). This sequence change replaces threonine, which is neutral and polar, with isoleucine, which is neutral and non-polar, at codon 535 of the FOXP1 protein (p.Thr535Ile).

NM_001349338.3(FOXP1):c.1604C>T (p.Thr535Ile)

Gene: FOXP1 (forkhead box P1; minus strand). Cytogenetic location: 3p13.
Variant type: single nucleotide variant.
Coding change: c.1604C>T on transcript NM_001349338.3 (MANE Select); coding-DNA position 1604, C replaced by T.
Protein change: p.Thr535Ile; replaces threonine 535 with isoleucine.
Molecular consequence: missense variant. On other transcripts: non-coding transcript variant (2), intron variant (1).
Genome position (GRCh38, 1-based): chr3:70,972,603, G>A on the plus strand (C>T on the coding strand, the complement: FOXP1 is on the minus strand). VCF-style: chr3-70972603-G-A. GRCh37 (hg19) VCF-style: chr3-71021754-G-A.
Other names: c.1601C>T, p.Thr534Ile (NM_001244808.3, NM_001349341.3); c.1376C>T, p.Thr459Ile (NM_001244812.3); c.1304C>T, p.Thr435Ile (NM_001244813.3, NM_001244815.2, NM_001349342.3); c.1604C>T, p.Thr535Ile (NM_001244814.3, NM_001244816.2, NM_001349339.1 and 2 more transcripts); c.1301C>T, p.Thr434Ile (NM_001349337.2, NM_001349343.3, NM_001349344.3 and 1 more transcripts); c.1531-423C>T (NM_001244810.2); c.1604C>T (NM_032682.5); short protein forms T459I, T534I, T434I, T435I, T535I.
Identifiers: ClinVar variation 2012323 (VCV002012323.5), dbSNP rs2036500394, ClinGen allele CA353491563.
Genomic context (GRCh38, chr3:70,972,603, plus strand): 5'-TGGTGGACGTACCCACTGATCTTTTGTGGCCTTCGTTTTTGGAATTCTACTTCATCCACT[G>A]TCCATACTGCCCCTTTAACGTTTTCTACTCGCACAAAACACTTGTGAAGACTAAGATTAT-3'
Protein context (NP_001336267.1, residues 525-545): RVENVKGAVW[Thr535Ile]VDEVEFQKRR